The following is an entry in ClinVar:

ClinVar aggregate classification (germline): Uncertain significance. Review status: criteria provided, multiple submitters, no conflicts (2 of 4 stars). 2 submissions from 2 submitters: Uncertain significance (2). Last evaluated 2019-04-08.

Conditions:
Walker-Warburg congenital muscular dystrophy. Also called: Muscular dystrophy-dystroglycanopathy, type A; Walker-Warburg syndrome. Identifiers: Orphanet 899, MedGen C0265221, MONDO:0000171.

Allele frequency attached by ClinVar (database versions not stated): gnomAD exomes below 0.00001.

Submissions (2):

Labcorp Genetics (formerly Invitae), Labcorp
Classification: Uncertain significance for Walker-Warburg congenital muscular dystrophy. Last evaluated: 2019-04-08. Review status: criteria provided, single submitter. Criteria: Invitae Variant Classification Sherloc (09022015). Collection method: clinical testing. Allele origin: germline.
Comment: In summary, the available evidence is currently insufficient to determine the role of this variant in disease. Therefore, it has been classified as a Variant of Uncertain Significance. Algorithms developed to predict the effect of missense changes on protein structure and function are either unavailable or do not agree on the potential impact of this missense change (SIFT: "Deleterious"; PolyPhen-2: "Benign"; Align-GVGD: "Class C0"). This variant has not been reported in the literature in individuals with FKRP-related conditions. ClinVar contains an entry for this variant (Variation ID: 282245). The frequency data for this variant in the population databases is considered unreliable, as metrics indicate insufficient coverage at this position in the ExAC database. This sequence change replaces phenylalanine with serine at codon 125 of the FKRP protein (p.Phe125Ser). The phenylalanine residue is moderately conserved and there is a large physicochemical difference between phenylalanine and serine.

Eurofins Ntd Llc (ga)
Classification: Uncertain significance. Last evaluated: 2016-10-06. Review status: criteria provided, single submitter. Criteria: EGL Classification Definitions 2015. Collection method: clinical testing. Allele origin: germline. Observed: 3 variant alleles, 3 heterozygotes.

NM_024301.5(FKRP):c.374T>C (p.Phe125Ser)

Gene: FKRP (fukutin related protein; plus strand). Cytogenetic location: 19q13.32.
Variant type: single nucleotide variant.
Coding change: c.374T>C on transcript NM_024301.5 (MANE Select); coding-DNA position 374, T replaced by C.
Protein change: p.Phe125Ser; replaces phenylalanine 125 with serine.
Molecular consequence: missense variant.
Genome position (GRCh38, 1-based): chr19:46,755,824, T>C. VCF-style: chr19-46755824-T-C. GRCh37 (hg19) VCF-style: chr19-47259081-T-C.
Other names: c.374T>C, p.Phe125Ser (NM_001039885.3); short protein forms F125S.
Identifiers: ClinVar variation 282245 (VCV000282245.13), dbSNP rs886042355, ClinGen allele CA10604118.